The following is an entry in ClinVar:

ClinVar aggregate classification (germline): Pathogenic/Likely pathogenic. Review status: criteria provided, multiple submitters, no conflicts (2 of 4 stars). 5 submissions from 5 submitters: Pathogenic (1); Likely pathogenic (1). 3 of the submissions do not count toward it. Last evaluated 2024-10-04.

Conditions:
Donnai-Barrow syndrome. Also called: DBS/FOAR SYNDROME; FACIOOCULOACOUSTICORENAL SYNDROME. Identifiers: Orphanet 2143, MedGen C1857277, MONDO:0009104, OMIM 222448.

Submissions (5):

Dubai Health Genomic Medicine Center, Dubai Health
Classification: Pathogenic for Donnai-Barrow syndrome. Last evaluated: 2024-10-04. Review status: criteria provided, single submitter. Criteria: ACMG Guidelines, 2015. Collection method: research. Allele origin: germline. Affected: yes.
Comment: PS3(moderate),PP1,PM3(mod),PM2,PP3

GeneDx
Classification: Likely pathogenic. Last evaluated: 2016-04-22. Review status: criteria provided, single submitter. Criteria: GeneDx Variant Classification (06012015). Collection method: clinical testing. Allele origin: germline. Affected: yes.
Comment: The Y2522H variant in the LRP2 gene has been previously reported in the homozygous state in four siblings with features of Donnai-Barrow syndrome including large anterior fontanel, sensorineural deafness, diaphragmatic eventration, proteinuria, and developmental delay (Kantarci et al., 2007). The Y2522H variant was not observed in approximately 6500 individuals of European and African American ancestry in the NHLBI Exome Sequencing Project, indicating it is not a common benign variant in these populations. The Y2522H variant is a non-conservative amino acid substitution, which is likely to impact secondary protein structure as these residues differ in polarity, charge, size and/or other properties. This substitution occurs at a position that is conserved across species. In silico analysis predicts this variant is probably damaging to the protein structure/function. The Y2522H variant is a strong candidate for a pathogenic variant, however the possibility it may be a rare benign variant cannot be excluded.

Yale Center for Mendelian Genomics, Yale University
Classification: Likely pathogenic for Donnai-Barrow syndrome. Last evaluated: 2020-10-26. Review status: no assertion criteria provided. Collection method: literature only. Allele origin: germline. Affected: yes. Observed: 2 homozygotes. Study: Yale Center for Mendelian Genomics. Not counted in ClinVar's aggregate classification.

OMIM
Classification: Pathogenic for DONNAI-BARROW SYNDROME. Last evaluated: 2007-08-01. Review status: no assertion criteria provided. Collection method: literature only. Allele origin: germline. Not counted in ClinVar's aggregate classification.

GeneReviews
No classification provided. Condition: Donnai-Barrow syndrome. Review status: no classification provided. Collection method: literature only. Allele origin: unknown. Not counted in ClinVar's aggregate classification.

Literature cited by the submitters: PubMed 33103447 (cited by Yale Center for Mendelian Genomics, Yale University); PubMed 17632512 (cited by OMIM and GeneReviews); PubMed 20301732 (cited by GeneReviews); NCBI Bookshelf NBK1878 (cited by GeneReviews).

NM_004525.3(LRP2):c.7564T>C (p.Tyr2522His)

Gene: LRP2 (LDL receptor related protein 2; minus strand). Cytogenetic location: 2q31.1.
Variant type: single nucleotide variant.
Coding change: c.7564T>C on transcript NM_004525.3 (MANE Select); coding-DNA position 7564, T replaced by C.
Protein change: p.Tyr2522His; replaces tyrosine 2522 with histidine.
Molecular consequence: missense variant.
Genome position (GRCh38, 1-based): chr2:169,205,630, A>G on the plus strand (T>C on the coding strand, the complement: LRP2 is on the minus strand). VCF-style: chr2-169205630-A-G. GRCh37 (hg19) VCF-style: chr2-170062140-A-G.
Other names: short protein forms Y2522H.
Identifiers: ClinVar variation 9450 (VCV000009450.7), dbSNP rs80338747, ClinGen allele CA340909.
Genomic context (GRCh38, chr2:169,205,630, plus strand): 5'-GGAAGTTTCCTCCCAATGTGGCTCTCTCGATTTTGGCATGTGTATCCCAGTCAGCCCAGT[A>G]CAGGTACCTAGTCATACAAAAGGAGTCAATAATTAATTCACAGGGAACCTCATAGTCCTT-3'
Protein context (NP_004516.2, residues 2512-2532): IVLDPCQGYL[Tyr2522His]WADWDTHAKI